The following is an entry in ClinVar:

ClinVar aggregate classification (germline): Likely pathogenic (1 of 4 stars; one submission).

Conditions:
Fetal akinesia deformation sequence 3. Identifiers: MedGen C4760599, MONDO:0100103, OMIM 618389.

Submission:

Department of Paediatric Medicine, Post Graduation Institute of Medical Education and Research
Classification: Likely pathogenic for Fetal akinesia deformation sequence 3. Last evaluated: 2023-03-01. Review status: criteria provided, single submitter. Criteria: ACMG Guidelines, 2015. Collection method: clinical testing. Allele origin: inherited. Inheritance: Autosomal recessive inheritance. Affected: no. Observed: 1 variant allele, 1 heterozygote.
Comment: PM2: Extremely low frequency in gnomAD population databases PM4:Protein length changes resulting from in-frame deletions/insertions in a non-repeat region or a stop-loss variant

NM_001367561.1(DOCK7):c.1511_1513del (p.Pro504_Ile505delinsLeu)

Gene: DOCK7 (dedicator of cytokinesis 7; minus strand). Cytogenetic location: 1p31.3.
Variant type: Deletion.
Coding change: c.1511_1513del on transcript NM_001367561.1 (MANE Select); coding-DNA positions 1511 to 1513, 3 bases deleted (CTA; older notation c.1511_1513delCTA).
Protein change: p.Pro504_Ile505delinsLeu.
Molecular consequence: inframe indel.
Genome position (GRCh38, 1-based): chr1:62,619,906-62,619,908, TAG deleted on the plus strand (CTA on the coding strand, the reverse complement: DOCK7 is on the minus strand). VCF-style (leftmost placement, unchanged base first): chr1-62619905-ATAG-A. GRCh37 (hg19) VCF-style: chr1-63085576-ATAG-A.
Other names: c.1511_1513del, p.Pro504_Ile505delinsLeu (NM_001271999.2, NM_001272000.2, NM_001272001.2 and 3 more transcripts).
Identifiers: ClinVar variation 2431064 (VCV002431064.2), dbSNP rs2522881217, ClinGen allele CA2580063132.
Genomic context (GRCh38, chr1:62,619,905, plus strand): 5'-AACATAGTAGTGATAATAATAGTTGCAACCATTTCTACTCAAAATTTTTAAATACCTGTA[ATAG>A]GTCTTAGTCGCCGTAAGACAGAAGATGGCCTTCTCATATCAGCAAGGAATTTGTAGAGAT-3'